The following is an entry in ClinVar:

ClinVar aggregate classification (germline): Uncertain significance. Review status: criteria provided, multiple submitters, no conflicts (2 of 4 stars). 2 submissions from 2 submitters: Uncertain significance (2). Last evaluated 2025-11-21.

Conditions:
Arrhythmogenic right ventricular dysplasia 13. Also called: Arrhythmogenic right ventricular dysplasia, familial, 13; ARRHYTHMOGENIC RIGHT VENTRICULAR CARDIOMYOPATHY 13. Identifiers: MedGen C3810138, MONDO:0000908, OMIM 615616.

Allele frequency attached by ClinVar (database versions not stated): ExAC 0.00002; gnomAD 0.00003 and 0.00004; TOPMed 0.00003.
gnomAD v4.1: 16 of 1,611,998 alleles (0.00099%); highest among the groups gnomAD compares: East Asian, 0.036%; no homozygotes.

Submissions (2):

Labcorp Genetics (formerly Invitae), Labcorp
Classification: Uncertain significance for Arrhythmogenic right ventricular dysplasia 13. Last evaluated: 2025-11-21. Review status: criteria provided, single submitter. Criteria: Invitae Variant Classification Sherloc (09022015). Collection method: clinical testing. Allele origin: germline.
Comment: This sequence change replaces serine, which is neutral and polar, with proline, which is neutral and non-polar, at codon 760 of the CTNNA3 protein (p.Ser760Pro). This variant is present in population databases (rs760532002, gnomAD 0.06%), and has an allele count higher than expected for a pathogenic variant. This variant has not been reported in the literature in individuals affected with CTNNA3-related conditions. ClinVar contains an entry for this variant (Variation ID: 573024). Invitae Evidence Modeling of protein sequence and biophysical properties (such as structural, functional, and spatial information, amino acid conservation, physicochemical variation, residue mobility, and thermodynamic stability) indicates that this missense variant is not expected to disrupt CTNNA3 protein function with a negative predictive value of 80%. In summary, the available evidence is currently insufficient to determine the role of this variant in disease. Therefore, it has been classified as a Variant of Uncertain Significance.

Ambry Genetics
Classification: Uncertain significance. Last evaluated: 2025-04-28. Review status: criteria provided, single submitter. Criteria: Ambry Variant Classification Scheme 2023. Collection method: clinical testing. Allele origin: germline.

NM_013266.4(CTNNA3):c.2278T>C (p.Ser760Pro)

Gene: CTNNA3 (catenin alpha 3; minus strand). Cytogenetic location: 10q21.3.
Variant type: single nucleotide variant.
Coding change: c.2278T>C on transcript NM_013266.4 (MANE Select); coding-DNA position 2278, T replaced by C.
Protein change: p.Ser760Pro; replaces serine 760 with proline.
Molecular consequence: missense variant.
Genome position (GRCh38, 1-based): chr10:65,966,734, A>G on the plus strand (T>C on the coding strand, the complement: CTNNA3 is on the minus strand). VCF-style: chr10-65966734-A-G. GRCh37 (hg19) VCF-style: chr10-67726492-A-G.
Other names: c.2278T>C (NM_013266.2); c.2278T>C, p.Ser760Pro (NM_001127384.3); short protein forms S760P.
Identifiers: ClinVar variation 573024 (VCV000573024.13), dbSNP rs760532002, ClinGen allele CA5519630.